The following is an entry in ClinVar:

NM_002734.5(PRKAR1A):c.64G>T (p.Val22Phe)

Gene: PRKAR1A (protein kinase cAMP-dependent type I regulatory subunit alpha; plus strand). Cytogenetic location: 17q24.2.
Variant type: single nucleotide variant.
Coding change: c.64G>T on transcript NM_002734.5 (MANE Select); coding-DNA position 64, G replaced by T.
Protein change: p.Val22Phe; replaces valine 22 with phenylalanine.
Molecular consequence: missense variant.
Genome position (GRCh38, 1-based): chr17:68,515,463, G>T. VCF-style: chr17-68515463-G-T. GRCh37 (hg19) VCF-style: chr17-66511604-G-T.
Other names: c.64G>T, p.Val22Phe (NM_001276290.1, NM_001278433.2, NM_001369389.1 and 4 more transcripts); c.64G>T (NM_002734.3); short protein forms V22F.
Identifiers: ClinVar variation 239386 (VCV000239386.7), dbSNP rs878854561, ClinGen allele CA10583669.

ClinVar aggregate classification (germline): Uncertain significance. Review status: criteria provided, multiple submitters, no conflicts (2 of 4 stars). 2 submissions from 2 submitters: Uncertain significance (2). Last evaluated 2024-05-05.

Conditions:
Hereditary cancer-predisposing syndrome. Also called: Neoplastic Syndromes, Hereditary; Hereditary neoplastic syndrome; Tumor predisposition; Hereditary Cancer Syndrome. Identifiers: Orphanet 140162, MedGen C0027672, MeSH D009386, MONDO:0015356.
Carney complex, type 1 (CNC1). Also called: CARNEY MYXOMA-ENDOCRINE COMPLEX; CARNEY COMPLEX, TYPE I. Identifiers: Orphanet 1359, MedGen C2607929, MONDO:0008057, OMIM 160980.

Submissions (2):

Ambry Genetics
Classification: Uncertain significance for Hereditary cancer-predisposing syndrome. Last evaluated: 2024-05-05. Review status: criteria provided, single submitter. Criteria: Ambry Variant Classification Scheme 2023. Collection method: clinical testing. Allele origin: germline.
Comment: The p.V22F variant (also known as c.64G>T), located in coding exon 1 of the PRKAR1A gene, results from a G to T substitution at nucleotide position 64. The valine at codon 22 is replaced by phenylalanine, an amino acid with highly similar properties. This amino acid position is conserved. In addition, this alteration is predicted to be deleterious by in silico analysis. Based on the available evidence, the clinical significance of this variant remains unclear.

Labcorp Genetics (formerly Invitae), Labcorp
Classification: Uncertain significance for Carney complex, type 1. Last evaluated: 2021-07-15. Review status: criteria provided, single submitter. Criteria: Invitae Variant Classification Sherloc (09022015). Collection method: clinical testing. Allele origin: germline.
Comment: This sequence change replaces valine with phenylalanine at codon 22 of the PRKAR1A protein (p.Val22Phe). The valine residue is highly conserved and there is a small physicochemical difference between valine and phenylalanine. In summary, the available evidence is currently insufficient to determine the role of this variant in disease. Therefore, it has been classified as a Variant of Uncertain Significance. Algorithms developed to predict the effect of missense changes on protein structure and function are either unavailable or do not agree on the potential impact of this missense change (SIFT: "Deleterious"; PolyPhen-2: "Possibly Damaging"; Align-GVGD: "Class C0"). ClinVar contains an entry for this variant (Variation ID: 239386). This variant has not been reported in the literature in individuals affected with PRKAR1A-related conditions. This variant is not present in population databases (ExAC no frequency).